The following is an entry in ClinVar:

NM_001458.5(FLNC):c.2090C>T (p.Ala697Val)

Gene: FLNC (filamin C; plus strand). Cytogenetic location: 7q32.1.
Variant type: single nucleotide variant.
Coding change: c.2090C>T on transcript NM_001458.5 (MANE Select); coding-DNA position 2090, C replaced by T.
Protein change: p.Ala697Val; replaces alanine 697 with valine.
Molecular consequence: missense variant.
Genome position (GRCh38, 1-based): chr7:128,841,536, C>T. VCF-style: chr7-128841536-C-T. GRCh37 (hg19) VCF-style: chr7-128481590-C-T.
Other names: c.2090C>T, p.Ala697Val (NM_001127487.2); short protein forms A697V.
Identifiers: ClinVar variation 2115942 (VCV002115942.4), dbSNP rs1808334915, ClinGen allele CA369228128.

ClinVar aggregate classification (germline): Uncertain significance (1 of 4 stars; one submission).

Conditions:
Myofibrillar myopathy 5. Also called: Filaminopathy (type); FILAMINOPATHY, AUTOSOMAL DOMINANT. Identifiers: Orphanet 171445, MedGen C1836050, MONDO:0012289, OMIM 609524.
Distal myopathy with posterior leg and anterior hand involvement. Also called: WILLIAMS DISTAL MYOPATHY. Identifiers: Orphanet 63273, MedGen C3279722, MONDO:0013550, OMIM 614065.
Hypertrophic cardiomyopathy 26. Also called: Cardiomyopathy, familial hypertrophic, 26. Identifiers: Orphanet 75249, MedGen C4310749, MONDO:0014883, OMIM 617047.

Submission:

Labcorp Genetics (formerly Invitae), Labcorp
Classification: Uncertain significance for Distal myopathy with posterior leg and anterior hand involvement; Myofibrillar myopathy 5; Hypertrophic cardiomyopathy 26. Last evaluated: 2022-03-23. Review status: criteria provided, single submitter. Criteria: Invitae Variant Classification Sherloc (09022015). Collection method: clinical testing. Allele origin: germline.
Comment: In summary, the available evidence is currently insufficient to determine the role of this variant in disease. Therefore, it has been classified as a Variant of Uncertain Significance. Algorithms developed to predict the effect of missense changes on protein structure and function are either unavailable or do not agree on the potential impact of this missense change (SIFT: "Tolerated"; PolyPhen-2: "Possibly Damaging"; Align-GVGD: "Class C0"). This variant has not been reported in the literature in individuals affected with FLNC-related conditions. This variant is not present in population databases (gnomAD no frequency). This sequence change replaces alanine, which is neutral and non-polar, with valine, which is neutral and non-polar, at codon 697 of the FLNC protein (p.Ala697Val).